The following is an entry in ClinVar:

NM_000218.3(KCNQ1):c.498C>A (p.Phe166Leu)

Gene: KCNQ1 (potassium voltage-gated channel subfamily Q member 1; plus strand). Cytogenetic location: 11p15.5.
Variant type: single nucleotide variant.
Coding change: c.498C>A on transcript NM_000218.3 (MANE Select); coding-DNA position 498, C replaced by A.
Protein change: p.Phe166Leu; replaces phenylalanine 166 with leucine.
Molecular consequence: missense variant. On other transcripts: intron variant (1).
Genome position (GRCh38, 1-based): chr11:2,570,648, C>A. VCF-style: chr11-2570648-C-A. GRCh37 (hg19) VCF-style: chr11-2591878-C-A.
Other names: c.498C>A, p.Phe166Leu (NM_001406836.1); c.228C>A, p.Phe76Leu (NM_001406837.1); c.117C>A, p.Phe39Leu (NM_181798.2); c.478-12787C>A (NM_001406838.1); short protein forms F166L, F39L, F76L.
Identifiers: ClinVar variation 3778548 (VCV003778548.7).

ClinVar aggregate classification (germline): Uncertain significance (1 of 4 stars; one submission).

Submission:

CeGaT Center for Human Genetics Tuebingen
Classification: Uncertain significance. Last evaluated: 2025-03-01. Review status: criteria provided, single submitter. Criteria: CeGaT Center For Human Genetics Tuebingen Variant Classification Criteria Version 2. Collection method: clinical testing. Allele origin: germline. Affected: yes. Observed: 1 variant allele.
Comment: KCNQ1: PM1, PM2